The following is an entry in ClinVar:

ClinVar aggregate classification (germline): Uncertain significance (1 of 4 stars; one submission).

Conditions:
Pierson syndrome. Also called: MICROCORIA-CONGENITAL NEPHROTIC SYNDROME. Identifiers: Orphanet 2670, MedGen C1836876, MONDO:0012184, OMIM 609049.
LAMB2-related infantile-onset nephrotic syndrome. Also called: Nephrotic Syndrome, type 5; NEPHROTIC SYNDROME, TYPE 5, WITHOUT OCULAR ABNORMALITIES; NEPHROTIC SYNDROME, TYPE 5, WITH OCULAR ABNORMALITIES. Identifiers: Orphanet 306507, MedGen C3280113, MONDO:0013621, OMIM 614199.

Allele frequency attached by ClinVar (database versions not stated): gnomAD exomes 0.00001 and 0.00002; ExAC 0.00002.
gnomAD v4.1: 21 of 1,613,918 alleles (0.0013%); highest among the groups gnomAD compares: Admixed American, 0.013%; no homozygotes.

Submission:

Labcorp Genetics (formerly Invitae), Labcorp
Classification: Uncertain significance for LAMB2-related infantile-onset nephrotic syndrome; Pierson syndrome. Last evaluated: 2022-08-23. Review status: criteria provided, single submitter. Criteria: Invitae Variant Classification Sherloc (09022015). Collection method: clinical testing. Allele origin: germline.
Comment: This sequence change replaces aspartic acid, which is acidic and polar, with asparagine, which is neutral and polar, at codon 525 of the LAMB2 protein (p.Asp525Asn). This variant is present in population databases (rs200694459, gnomAD 0.009%). This variant has not been reported in the literature in individuals affected with LAMB2-related conditions. ClinVar contains an entry for this variant (Variation ID: 643042). Algorithms developed to predict the effect of missense changes on protein structure and function are either unavailable or do not agree on the potential impact of this missense change (SIFT: "Tolerated"; PolyPhen-2: "Probably Damaging"; Align-GVGD: "Class C0"). In summary, the available evidence is currently insufficient to determine the role of this variant in disease. Therefore, it has been classified as a Variant of Uncertain Significance.

NM_002292.4(LAMB2):c.1573G>A (p.Asp525Asn)

Gene: LAMB2 (laminin subunit beta 2; minus strand). Cytogenetic location: 3p21.31.
Variant type: single nucleotide variant.
Coding change: c.1573G>A on transcript NM_002292.4 (MANE Select); coding-DNA position 1573, G replaced by A.
Protein change: p.Asp525Asn; replaces aspartic acid 525 with asparagine.
Molecular consequence: missense variant.
Genome position (GRCh38, 1-based): chr3:49,129,270, C>T on the plus strand (G>A on the coding strand, the complement: LAMB2 is on the minus strand). VCF-style: chr3-49129270-C-T. GRCh37 (hg19) VCF-style: chr3-49166703-C-T.
Other names: short protein forms D525N.
Identifiers: ClinVar variation 643042 (VCV000643042.4), dbSNP rs200694459, ClinGen allele CA2394556.
Genomic context (GRCh38, chr3:49,129,270, plus strand): 5'-CCCATCCCTTCCCAGGCCCCCTTTACAACACTTACTGGGGATCCAAAGCACCACCCACGT[C>T]GCAGTCACAGGGGCGGCAGCCGAGCAGGTCGTGGCTCAGGCCCCAGTGGCCAGGCTGCAC-3'
Protein context (NP_002283.3, residues 515-535): DLLGCRPCDC[Asp525Asn]VGGALDPQCD